The following is an entry in ClinVar:

ClinVar aggregate classification (germline): Pathogenic. Review status: criteria provided, multiple submitters, no conflicts (2 of 4 stars). 5 submissions from 5 submitters: Pathogenic (4). 1 of the submissions does not count toward it. Last evaluated 2026-07-31.

Conditions:
Birt-Hogg-Dube syndrome 1 (BHD1). Also called: FIBROFOLLICULOMAS WITH TRICHODISCOMAS AND ACROCHORDONS. Identifiers: Orphanet 122, MedGen CN375946, MONDO:0800445, OMIM 135150.
Birt-Hogg-Dube syndrome. Also called: Birt Hogg Dubé syndrome. Identifiers: Orphanet 122, MedGen C0346010, MONDO:0800444.

Submissions (5):

Myriad Genetics, Inc.
Classification: Pathogenic for Birt-Hogg-Dube syndrome 1. Last evaluated: 2026-07-31. Review status: criteria provided, single submitter. Criteria: Myriad Autosomal Dominant, Autosomal Recessive and X-Linked Classification Criteria (2023). Collection method: clinical testing. Allele origin: unknown.
Comment: This variant is considered pathogenic. This variant creates a frameshift predicted to result in premature protein truncation.

Labcorp Genetics (formerly Invitae), Labcorp
Classification: Pathogenic for Birt-Hogg-Dube syndrome. Last evaluated: 2025-09-27. Review status: criteria provided, single submitter. Criteria: Invitae Variant Classification Sherloc (09022015). Collection method: clinical testing. Allele origin: germline.
Comment: This sequence change creates a premature translational stop signal (p.Glu211Alafs*12) in the FLCN gene. It is expected to result in an absent or disrupted protein product. Loss-of-function variants in FLCN are known to be pathogenic (PMID: 15852235). Information on the frequency of this variant in the gnomAD database is not available, as this variant may be reported differently in the database. This premature translational stop signal has been observed in individual(s) with Birt-Hogg-Dubé syndrome (PMID: 19802896). For these reasons, this variant has been classified as Pathogenic.

GeneDx
Classification: Pathogenic. Last evaluated: 2017-07-07. Review status: criteria provided, single submitter. Criteria: GeneDx Variant Classification (06012015). Collection method: clinical testing. Allele origin: germline. Affected: yes.
Comment: This combined deletion and insertion is denoted FLCN c.632_633delAGinsC at the cDNA level and p.Glu211AlafsX12 (E211AfsX12) at the protein level. The normal sequence, with the bases that are deleted and inserted in brackets, is GCAG[delAG][insC]CAGT. The variant causes a frameshift which changes a Glutamic Acid to an Alanine at codon 211, and creates a premature stop codon at position 12 of the new reading frame. This variant is predicted to cause loss of normal protein function through either protein truncation or nonsense-mediated mRNA decay. FLCN c.632_633delAGinsC has been observed in association with Birt-Hogg-Dub? (Nickerson 2002, Schmidt 2005). We consider this variant to be pathogenic.

Genomic Diagnostic Laboratory, Division of Genomic Diagnostics, Children's Hospital of Philadelphia
Classification: Pathogenic for Birt-Hogg-Dube Syndrome. Last evaluated: 2016-07-18. Review status: criteria provided, single submitter. Criteria: DGD Variant Analysis Guidelines. Collection method: clinical testing. Allele origin: germline. Affected: yes. Observed: 1 variant allele.
Comment: Clinical Testing

OMIM
Classification: Pathogenic for BIRT-HOGG-DUBE SYNDROME 1. Last evaluated: 2009-09-01. Review status: no assertion criteria provided. Collection method: literature only. Allele origin: germline. Not counted in ClinVar's aggregate classification.

Literature cited by the submitters: PubMed 15852235 (cited by Labcorp Genetics (formerly Invitae), Labcorp); PubMed 19802896 (cited by Labcorp Genetics (formerly Invitae), Labcorp); PubMed 19562744 (cited by OMIM); PubMed 12204536 (cited by OMIM).

NM_144997.7(FLCN):c.632_633delinsC (p.Glu211fs)

Gene: FLCN (folliculin; minus strand). Cytogenetic location: 17p11.2.
Variant type: Indel.
Coding change: c.632_633delinsC on transcript NM_144997.7 (MANE Select); coding-DNA positions 632 to 633, AG replaced by C.
Protein change: p.Glu211fs; shifts the reading frame from glutamic acid 211.
Molecular consequence: frameshift variant.
Genome position (GRCh38, 1-based): chr17:17,222,647-17,222,648, CT replaced by G on the plus strand (AG replaced by C on the coding strand, the reverse complement: FLCN is on the minus strand). VCF-style: chr17-17222647-CT-G. GRCh37 (hg19) VCF-style: chr17-17125961-CT-G.
Other names: c.632_633delAGinsC (LRG_325t1); c.686_687delinsC, p.Glu229fs (NM_001353229.2); c.632_633delinsC, p.Glu211fs (NM_001353230.2, NM_001353231.2, NM_144606.7); short protein forms E229fs, E211fs.
Identifiers: ClinVar variation 253231 (VCV000253231.7), dbSNP rs879255661, ClinGen allele CA10586271.